The following is an entry in ClinVar:

ClinVar aggregate classification (germline): Uncertain significance (1 of 4 stars; one submission).

gnomAD v4.1: 1 of 1,184,933 alleles (0.000084%); highest among the groups gnomAD compares: Non-Finnish European, 0.00011%; no homozygotes.

Submission:

GeneDx
Classification: Uncertain significance. Last evaluated: 2026-02-20. Review status: criteria provided, single submitter. Criteria: GeneDx Variant Classification Process June 2021. Collection method: clinical testing. Allele origin: germline.
Comment: Not observed at significant frequency in large population cohorts (gnomAD); In silico analysis supports that this missense variant has a deleterious effect on protein structure/function; Has not been previously published as pathogenic or benign to our knowledge

NM_001282874.2(SMARCA1):c.2761C>T (p.Arg921Cys)

Gene: SMARCA1 (SNF2 related chromatin remodeling ATPase 1; minus strand). Cytogenetic location: Xq25.
Variant type: single nucleotide variant.
Coding change: c.2761C>T on transcript NM_001282874.2 (MANE Select); coding-DNA position 2761, C replaced by T.
Protein change: p.Arg921Cys; replaces arginine 921 with cysteine.
Molecular consequence: missense variant.
Genome position (GRCh38, 1-based): chrX:129,465,900, G>A on the plus strand (C>T on the coding strand, the complement: SMARCA1 is on the minus strand). VCF-style: chrX-129465900-G-A. GRCh37 (hg19) VCF-style: chrX-128599877-G-A.
Other names: c.2725C>T, p.Arg909Cys (NM_001282875.2, NM_001378262.1, NM_001378263.1 and 1 more transcripts); c.2761C>T, p.Arg921Cys (NM_001378261.1, NM_003069.5); short protein forms R909C, R921C.
Identifiers: ClinVar variation 4975117 (VCV004975117.1).